The following is an entry in ClinVar:

NM_004937.3(CTNS):c.*572A>G

Gene: CTNS (cystinosin, lysosomal cystine transporter; plus strand). Cytogenetic location: 17p13.2.
Variant type: single nucleotide variant.
Coding change: c.*572A>G on transcript NM_004937.3 (MANE Select); 572 bases downstream of the stop codon, A replaced by G.
Molecular consequence: 3 prime UTR variant.
Genome position (GRCh38, 1-based): chr17:3,660,941, A>G. VCF-style: chr17-3660941-A-G. GRCh37 (hg19) VCF-style: chr17-3564235-A-G.
Other names: c.*207A>G (NM_001031681.3, NM_001374492.1); c.*572A>G (NM_001374493.1, NM_001374494.1, NM_001374495.1 and 1 more transcripts).
Identifiers: ClinVar variation 322858 (VCV000322858.8), dbSNP rs3826493, ClinGen allele CA10639463.

ClinVar aggregate classification (germline): Benign. Review status: criteria provided, multiple submitters, no conflicts (2 of 4 stars). 4 submissions from 3 submitters: Benign (4). Last evaluated 2018-06-19.

Conditions:
Ocular cystinosis. Also called: Non-Nephropathic (Ocular) Cystinosis; Non-Nephropathic Cystinosis. Identifiers: Orphanet 213, Orphanet 411641, MedGen C2931013, MONDO:0009064, OMIM 219750.
Nephropathic cystinosis (CTNS). Also called: CYSTINOSIN, DEFECT OF; LYSOSOMAL CYSTINE TRANSPORT PROTEIN, DEFECT OF; Abderhalden Lignac Kaufmann disease; Abderhalden-Kaufmann-Lignac syndrome. Identifiers: Orphanet 213, Orphanet 411629, MedGen C2931187, MONDO:0100151, OMIM 219800.

Allele frequency attached by ClinVar (database versions not stated): TOPMed 0.18979; gnomAD 0.19518 and 0.19853; 1000 Genomes Project 0.20527; 1000 Genomes Project 30x 0.20659.
gnomAD v4.1: 148,881 of 714,902 alleles (21%); highest among the groups gnomAD compares: East Asian, 25%; 16,284 homozygotes.

Submissions (4):

GeneDx
Classification: Benign. Last evaluated: 2018-06-19. Review status: criteria provided, single submitter. Criteria: GeneDx Variant Classification Process June 2021. Collection method: clinical testing. Allele origin: germline. Affected: yes.

Illumina Laboratory Services, Illumina
Classification: Benign for Nephropathic cystinosis. Last evaluated: 2018-01-13. Review status: criteria provided, single submitter. Criteria: ICSL Variant Classification Criteria 13 December 2019. Collection method: clinical testing. Allele origin: germline.
Comment: This variant was observed in the ICSL laboratory as part of a predisposition screen in an ostensibly healthy population. It had not been previously curated by ICSL or reported in the Human Gene Mutation Database (HGMD: prior to June 1st, 2018), and was therefore a candidate for classification through an automated scoring system. Utilizing variant allele frequency, disease prevalence and penetrance estimates, and inheritance mode, an automated score was calculated to assess if this variant is too frequent to cause the disease. Based on the score and internal cut-off values, a variant classified as benign is not then subjected to further curation. The score for this variant resulted in a classification of benign for this disease.

Illumina Laboratory Services, Illumina
Classification: Benign for Ocular cystinosis. Last evaluated: 2018-01-13. Review status: criteria provided, single submitter. Criteria: ICSL Variant Classification Criteria 13 December 2019. Collection method: clinical testing. Allele origin: germline.
Comment: the same text as in the submission from Illumina Laboratory Services, Illumina above.

Breakthrough Genomics
Classification: Benign. Review status: criteria provided, single submitter. Criteria: ACMG Guidelines, 2015. Collection method: not provided. Allele origin: germline. Inheritance: Autosomal recessive inheritance. Affected: yes.